The following is an entry in ClinVar:

NM_001365999.1(SZT2):c.2408C>T (p.Pro803Leu)

Gene: SZT2 (SZT2 subunit of KICSTOR complex; plus strand). Cytogenetic location: 1p34.2.
Variant type: single nucleotide variant.
Coding change: c.2408C>T on transcript NM_001365999.1 (MANE Select); coding-DNA position 2408, C replaced by T.
Protein change: p.Pro803Leu; replaces proline 803 with leucine.
Molecular consequence: missense variant.
Genome position (GRCh38, 1-based): chr1:43,424,369, C>T. VCF-style: chr1-43424369-C-T. GRCh37 (hg19) VCF-style: chr1-43890040-C-T.
Other names: c.2408C>T, p.Pro803Leu (NM_015284.4); short protein forms P803L.
Identifiers: ClinVar variation 850452 (VCV000850452.8), dbSNP rs1036653663, ClinGen allele CA340012790.

ClinVar aggregate classification (germline): Uncertain significance. Review status: criteria provided, multiple submitters, no conflicts (2 of 4 stars). 2 submissions from 2 submitters: Uncertain significance (2). Last evaluated 2025-07-09.

Allele frequency attached by ClinVar (database versions not stated): TOPMed 0.00002.
gnomAD v4.1: 13 of 1,597,988 alleles (0.00081%); highest among the groups gnomAD compares: Admixed American, 0.013%; no homozygotes.

Submissions (2):

GeneDx
Classification: Uncertain significance. Last evaluated: 2025-07-09. Review status: criteria provided, single submitter. Criteria: GeneDx Variant Classification Process June 2021. Collection method: clinical testing. Allele origin: germline. Affected: yes.
Comment: Not observed at significant frequency in large population cohorts (gnomAD); In silico analysis suggests that this missense variant does not alter protein structure/function; Has not been previously published as pathogenic or benign to our knowledge

Labcorp Genetics (formerly Invitae), Labcorp
Classification: Uncertain significance. Last evaluated: 2022-03-19. Review status: criteria provided, single submitter. Criteria: Invitae Variant Classification Sherloc (09022015). Collection method: clinical testing. Allele origin: germline.
Comment: This sequence change replaces proline, which is neutral and non-polar, with leucine, which is neutral and non-polar, at codon 803 of the SZT2 protein (p.Pro803Leu). This variant is present in population databases (no rsID available, gnomAD 0.01%). This variant has not been reported in the literature in individuals affected with SZT2-related conditions. ClinVar contains an entry for this variant (Variation ID: 850452). Algorithms developed to predict the effect of missense changes on protein structure and function (SIFT, PolyPhen-2, Align-GVGD) all suggest that this variant is likely to be tolerated. In summary, the available evidence is currently insufficient to determine the role of this variant in disease. Therefore, it has been classified as a Variant of Uncertain Significance.